The following is an entry in ClinVar:

ClinVar aggregate classification (germline): Uncertain significance (1 of 4 stars; one submission).

Conditions:
Autoimmune lymphoproliferative syndrome, type III caused by mutation in PRKCD. Identifiers: Orphanet 3261, Orphanet 664711, MedGen C3809928, MONDO:8000024, OMIM 615559.

Allele frequency attached by ClinVar (database versions not stated): gnomAD exomes below 0.00001; gnomAD 0.00001; TOPMed 0.00001.
gnomAD v4.1: 4 of 1,612,936 alleles (0.00025%); highest among the groups gnomAD compares: Non-Finnish European, 0.00034%; no homozygotes.

Submission:

Labcorp Genetics (formerly Invitae), Labcorp
Classification: Uncertain significance for Autoimmune lymphoproliferative syndrome, type III caused by mutation in PRKCD. Last evaluated: 2022-03-04. Review status: criteria provided, single submitter. Criteria: Invitae Variant Classification Sherloc (09022015). Collection method: clinical testing. Allele origin: germline.
Comment: This sequence change replaces asparagine, which is neutral and polar, with lysine, which is basic and polar, at codon 183 of the PRKCD protein (p.Asn183Lys). This variant is present in population databases (no rsID available, gnomAD 0.0009%). This variant has not been reported in the literature in individuals affected with PRKCD-related conditions. ClinVar contains an entry for this variant (Variation ID: 645396). Algorithms developed to predict the effect of missense changes on protein structure and function are either unavailable or do not agree on the potential impact of this missense change (SIFT: "Deleterious"; PolyPhen-2: "Probably Damaging"; Align-GVGD: "Class C0"). In summary, the available evidence is currently insufficient to determine the role of this variant in disease. Therefore, it has been classified as a Variant of Uncertain Significance.

NM_006254.4(PRKCD):c.549C>A (p.Asn183Lys)

Gene: PRKCD (protein kinase C delta; plus strand). Cytogenetic location: 3p21.1.
Variant type: single nucleotide variant.
Coding change: c.549C>A on transcript NM_006254.4 (MANE Select); coding-DNA position 549, C replaced by A.
Protein change: p.Asn183Lys; replaces asparagine 183 with lysine.
Molecular consequence: missense variant.
Genome position (GRCh38, 1-based): chr3:53,181,710, C>A. VCF-style: chr3-53181710-C-A. GRCh37 (hg19) VCF-style: chr3-53215726-C-A.
Other names: c.549C>A, p.Asn183Lys (LRG_1327t1, NM_001316327.2, NM_001354679.2 and 2 more transcripts); c.606C>A, p.Asn202Lys (NM_001354676.2); c.597C>A, p.Asn199Lys (NM_001354678.2); short protein forms N202K, N199K, N183K.
Identifiers: ClinVar variation 645396 (VCV000645396.5), dbSNP rs1378624159, ClinGen allele CA353234636.